The following is an entry in ClinVar:

ClinVar aggregate classification (germline): Conflicting classifications of pathogenicity. Review status: criteria provided, conflicting classifications (1 of 4 stars). 3 submissions from 3 submitters: Pathogenic (1); Uncertain significance (2). Last evaluated 2023-10-04.

Conditions:
MYH9-related disorder. Identifiers: MedGen C1854520.

Submissions (3):

Labcorp Genetics (formerly Invitae), Labcorp
Classification: Pathogenic. Last evaluated: 2023-10-04. Review status: criteria provided, single submitter. Criteria: Invitae Variant Classification Sherloc (09022015). Collection method: clinical testing. Allele origin: germline.
Comment: This sequence change replaces phenylalanine, which is neutral and non-polar, with serine, which is neutral and polar, at codon 41 of the MYH9 protein (p.Phe41Ser). This variant is not present in population databases (gnomAD no frequency). This missense change has been observed in individual(s) with MYH9-related disease (PMID: 31562665). In at least one individual the variant was observed to be de novo. ClinVar contains an entry for this variant (Variation ID: 377017). Advanced modeling of protein sequence and biophysical properties (such as structural, functional, and spatial information, amino acid conservation, physicochemical variation, residue mobility, and thermodynamic stability) has been performed at Invitae for this missense variant, however the output from this modeling did not meet the statistical confidence thresholds required to predict the impact of this variant on MYH9 protein function. This variant disrupts the p.Phe41 amino acid residue in MYH9. Other variant(s) that disrupt this residue have been observed in individuals with MYH9-related conditions (PMID: 30916803), which suggests that this may be a clinically significant amino acid residue. For these reasons, this variant has been classified as Pathogenic.

NIHR Bioresource Rare Diseases, University of Cambridge
Classification: Uncertain significance for MYH9-related disorder. Last evaluated: 2018-12-12. Review status: criteria provided, single submitter. Criteria: ACMG Guidelines, 2015. Collection method: research. Allele origin: unknown. Inheritance: Autosomal dominant inheritance. Affected: yes. Observed: 1 heterozygote.
Comment: PM6, PM2, PP3, PP4

Center for Pediatric Genomic Medicine, Children's Mercy Hospital and Clinics
Classification: Uncertain significance. Last evaluated: 2016-10-17. Review status: criteria provided, single submitter. Criteria: ACMG Guidelines, 2015. Collection method: clinical testing. Allele origin: germline.
ClinVar note: Converted during submission from Uncertain Significance to Uncertain significance.

Literature cited by the submitters: PubMed 31562665 (cited by Labcorp Genetics (formerly Invitae), Labcorp); PubMed 30916803 (cited by Labcorp Genetics (formerly Invitae), Labcorp).

NM_002473.6(MYH9):c.122T>C (p.Phe41Ser)

Gene: MYH9 (myosin heavy chain 9; minus strand). Cytogenetic location: 22q12.3.
Variant type: single nucleotide variant.
Coding change: c.122T>C on transcript NM_002473.6 (MANE Select); coding-DNA position 122, T replaced by C.
Protein change: p.Phe41Ser; replaces phenylalanine 41 with serine.
Molecular consequence: missense variant.
Genome position (GRCh38, 1-based): chr22:36,349,115, A>G on the plus strand (T>C on the coding strand, the complement: MYH9 is on the minus strand). VCF-style: chr22-36349115-A-G. GRCh37 (hg19) VCF-style: chr22-36745160-A-G.
Other names: short protein forms F41S.
Identifiers: ClinVar variation 377017 (VCV000377017.14), dbSNP rs1057520107, ClinGen allele CA16603232.